The following is an entry in ClinVar:

ClinVar aggregate classification (germline): Uncertain significance. Review status: criteria provided, multiple submitters, no conflicts (2 of 4 stars). 2 submissions from 2 submitters: Uncertain significance (2). Last evaluated 2025-05-18.

Conditions:
Hereditary cancer-predisposing syndrome. Also called: Neoplastic Syndromes, Hereditary; Hereditary neoplastic syndrome; Tumor predisposition; Hereditary Cancer Syndrome. Identifiers: Orphanet 140162, MedGen C0027672, MeSH D009386, MONDO:0015356.
Tuberous sclerosis 1 (TSC1). Identifiers: Orphanet 805, MedGen C1854465, MONDO:0008612, OMIM 191100.

Allele frequency attached by ClinVar (database versions not stated): TOPMed below 0.00001; gnomAD 0.00001.
gnomAD v4.1: 1 of 1,614,074 alleles (0.000062%); highest among the groups gnomAD compares: Non-Finnish European, 0.000085%; no homozygotes.

Submissions (2):

Ambry Genetics
Classification: Uncertain significance for Hereditary cancer-predisposing syndrome. Last evaluated: 2025-05-18. Review status: criteria provided, single submitter. Criteria: Ambry Variant Classification Scheme 2023. Collection method: clinical testing. Allele origin: germline.
Comment: The p.P585T variant (also known as c.1753C>A), located in coding exon 13 of the TSC1 gene, results from a C to A substitution at nucleotide position 1753. The proline at codon 585 is replaced by threonine, an amino acid with highly similar properties. This amino acid position is conserved. In addition, the in silico prediction for this alteration is inconclusive. Based on the available evidence, the clinical significance of this variant remains unclear.

Labcorp Genetics (formerly Invitae), Labcorp
Classification: Uncertain significance for Tuberous sclerosis 1. Last evaluated: 2024-01-03. Review status: criteria provided, single submitter. Criteria: Invitae Variant Classification Sherloc (09022015). Collection method: clinical testing. Allele origin: germline.
Comment: This sequence change replaces proline, which is neutral and non-polar, with threonine, which is neutral and polar, at codon 585 of the TSC1 protein (p.Pro585Thr). This variant is not present in population databases (gnomAD no frequency). This variant has not been reported in the literature in individuals affected with TSC1-related conditions. Advanced modeling of protein sequence and biophysical properties (such as structural, functional, and spatial information, amino acid conservation, physicochemical variation, residue mobility, and thermodynamic stability) performed at Invitae indicates that this missense variant is not expected to disrupt TSC1 protein function with a negative predictive value of 95%. In summary, the available evidence is currently insufficient to determine the role of this variant in disease. Therefore, it has been classified as a Variant of Uncertain Significance.

NM_000368.5(TSC1):c.1753C>A (p.Pro585Thr)

Gene: TSC1 (TSC complex subunit 1; minus strand). Cytogenetic location: 9q34.13.
Variant type: single nucleotide variant.
Coding change: c.1753C>A on transcript NM_000368.5 (MANE Select); coding-DNA position 1753, C replaced by A.
Protein change: p.Pro585Thr; replaces proline 585 with threonine.
Molecular consequence: missense variant. On other transcripts: non-coding transcript variant (5).
Genome position (GRCh38, 1-based): chr9:132,905,825, G>T on the plus strand (C>A on the coding strand, the complement: TSC1 is on the minus strand). VCF-style: chr9-132905825-G-T. GRCh37 (hg19) VCF-style: chr9-135781212-G-T.
Other names: c.1390C>A, p.Pro464Thr (NM_001406614.1, NM_001406615.1, NM_001406616.1 and 5 more transcripts); c.1387C>A, p.Pro463Thr (NM_001406620.1, NM_001406621.1, NM_001406622.1 and 2 more transcripts); c.802C>A, p.Pro268Thr (NM_001406626.1); c.799C>A, p.Pro267Thr (NM_001406627.1, NM_001406628.1); c.700C>A, p.Pro234Thr (NM_001406629.1, NM_001406630.1); c.1753C>A, p.Pro585Thr (NM_001406595.1, NM_001406596.1, NM_001406601.1 and 7 more transcripts); c.1750C>A, p.Pro584Thr (NM_001406597.1, NM_001406598.1, NM_001406599.1 and 6 more transcripts); c.1600C>A, p.Pro534Thr (NM_001162427.2, NM_001406610.1); and 1 more; short protein forms P267T, P268T, P464T, P533T, P234T, P534T, P584T, P463T.
Identifiers: ClinVar variation 2707241 (VCV002707241.4), dbSNP rs766367103, ClinGen allele CA375363779.